The following is an entry in ClinVar:

ClinVar aggregate classification (germline): Conflicting classifications of pathogenicity. Review status: criteria provided, conflicting classifications (1 of 4 stars). 8 submissions from 8 submitters: Uncertain significance (7); Benign (1). Last evaluated 2026-06-16.

Conditions:
Cardiovascular phenotype. Identifiers: MedGen CN230736.
Brittle cornea syndrome 1 (BCS1). Also called: DYSGENESIS MESODERMALIS CORNEAE ET SCLERAE; EDS6B; FRAGILITAS OCULI WITH JOINT HYPEREXTENSIBILITY; Corneal fragility keratoglobus, blue sclerae AND joint hypermobility; CORNEAL FRAGILITY, KERATOGLOBUS, BLUE SCLERAE, JOINT HYPEREXTENSIBILITY. Identifiers: Orphanet 90354, MedGen C0268344, MONDO:0024543, OMIM 229200.
Ehlers-Danlos syndrome (EDS). Identifiers: Orphanet 98249, MedGen C0013720, MONDO:0020066.
ZNF469-related disorder. Also called: ZNF469-related condition.

Allele frequency attached by ClinVar (database versions not stated): gnomAD 0.00005 and 0.00006; gnomAD exomes 0.00005 and 0.00016; ExAC 0.00011; TOPMed 0.00012.
gnomAD v4.1: 91 of 1,549,942 alleles (0.0059%); highest among the groups gnomAD compares: Middle Eastern, 0.2%; no homozygotes.

Submissions (8):

Women's Health and Genetics/Laboratory Corporation of America, LabCorp
Classification: Uncertain significance. Last evaluated: 2026-06-16. Review status: criteria provided, single submitter. Criteria: LabCorp Variant Classification Summary - May 2015. Collection method: clinical testing. Allele origin: germline.
Comment: Variant summary: ZNF469 c.8458G>A (p.Gly2820Ser) results in a non-conservative amino acid change in the encoded protein sequence. Algorithms developed to predict the effect of missense changes on protein structure and function are either unavailable or do not agree on the potential impact of this missense change. The variant allele was found at a frequency of 0.00016 in 152452 control chromosomes. This frequency is not significantly higher than estimated for disease-causing variants in ZNF469, allowing no conclusion about variant significance. To our knowledge, no occurrence of c.8458G>A in individuals affected with ZNF469-related conditions and no experimental evidence demonstrating its impact on protein function have been reported. ClinVar contains an entry for this variant (Variation ID: 1198359). Based on the evidence outlined above, the variant was classified as uncertain significance.

PreventionGenetics, part of Exact Sciences
Classification: Uncertain significance for ZNF469-related condition. Last evaluated: 2026-01-21. Review status: criteria provided, single submitter. Criteria: ACMG Guidelines, 2015. Collection method: clinical testing. Allele origin: germline.
Comment: The ZNF469 c.8374G>A variant is predicted to result in the amino acid substitution p.Gly2792Ser. To our knowledge, this variant has not been reported in the literature. This variant is reported in 0.067% of alleles in individuals of Latino descent in gnomAD. Although we suspect that this variant may be benign, at this time, the clinical significance of this variant is uncertain due to the absence of conclusive functional and genetic evidence.

Ambry Genetics
Classification: Benign for Cardiovascular phenotype. Last evaluated: 2023-12-14. Review status: criteria provided, single submitter. Criteria: Ambry Variant Classification Scheme 2023. Collection method: clinical testing. Allele origin: germline.

Labcorp Genetics (formerly Invitae), Labcorp
Classification: Uncertain significance. Last evaluated: 2022-08-23. Review status: criteria provided, single submitter. Criteria: Invitae Variant Classification Sherloc (09022015). Collection method: clinical testing. Allele origin: germline.
Comment: This sequence change replaces glycine, which is neutral and non-polar, with serine, which is neutral and polar, at codon 2792 of the ZNF469 protein (p.Gly2792Ser). This variant is present in population databases (rs761603858, gnomAD 0.08%). This variant has not been reported in the literature in individuals affected with ZNF469-related conditions. ClinVar contains an entry for this variant (Variation ID: 1198359). Algorithms developed to predict the effect of missense changes on protein structure and function output the following: SIFT: "Tolerated"; PolyPhen-2: "Benign"; Align-GVGD: "Class C0". The serine amino acid residue is found in multiple mammalian species, which suggests that this missense change does not adversely affect protein function. In summary, the available evidence is currently insufficient to determine the role of this variant in disease. Therefore, it has been classified as a Variant of Uncertain Significance.

Genome Diagnostics Laboratory, The Hospital for Sick Children
Classification: Uncertain significance for Ehlers-Danlos syndrome. Last evaluated: 2021-11-15. Review status: criteria provided, single submitter. Criteria: ACMG Guidelines, 2015. Collection method: clinical testing. Allele origin: germline.

Fulgent Genetics
Classification: Uncertain significance for Brittle cornea syndrome 1. Last evaluated: 2021-07-22. Review status: criteria provided, single submitter. Criteria: ACMG Guidelines, 2015. Collection method: clinical testing. Allele origin: unknown.

GeneDx
Classification: Uncertain significance. Last evaluated: 2021-04-08. Review status: criteria provided, single submitter. Criteria: GeneDx Variant Classification Process June 2021. Collection method: clinical testing. Allele origin: germline. Affected: yes.
Comment: In silico analysis supports that this missense variant does not alter protein structure/function; Has not been previously published as pathogenic or benign to our knowledge

Breakthrough Genomics
Classification: Uncertain significance. Review status: criteria provided, single submitter. Criteria: ACMG Guidelines, 2015. Collection method: not provided. Allele origin: germline. Inheritance: Autosomal recessive inheritance. Affected: yes.

NM_001367624.2(ZNF469):c.8458G>A (p.Gly2820Ser)

Gene: ZNF469 (zinc finger protein 469; plus strand). Cytogenetic location: 16q24.2.
Variant type: single nucleotide variant.
Coding change: c.8458G>A on transcript NM_001367624.2 (MANE Select); coding-DNA position 8458, G replaced by A.
Protein change: p.Gly2820Ser; replaces glycine 2820 with serine.
Molecular consequence: missense variant.
Genome position (GRCh38, 1-based): chr16:88,435,928, G>A. VCF-style: chr16-88435928-G-A. GRCh37 (hg19) VCF-style: chr16-88502336-G-A.
Other names: NM_001127464.1:c.8374G>A; NM_001127464.2:c.8374G>A; short protein forms G2820S.
Identifiers: ClinVar variation 1198359 (VCV001198359.15), dbSNP rs761603858, ClinGen allele CA8225337.